The following is an entry in ClinVar:

ClinVar aggregate classification (germline): Conflicting classifications of pathogenicity. Review status: criteria provided, conflicting classifications (1 of 4 stars). 7 submissions from 6 submitters: Uncertain significance (2); Benign (3); Likely benign (2). Last evaluated 2026-01-31.

Conditions:
Transitory neonatal diabetes mellitus. Also called: Transient neonatal diabetes mellitus. Identifiers: MedGen C0342273, MONDO:0020525, HP:0008255.
Maturity-onset diabetes of the young (MODY). Also called: Maturity onset diabetes mellitus in young. Identifiers: Orphanet 552, MedGen C0342276, MONDO:0018911, HP:0004904.

Allele frequency attached by ClinVar (database versions not stated): gnomAD exomes 0.00089 and 0.00239; ExAC 0.00319; 1000 Genomes Project 0.00839; 1000 Genomes Project 30x 0.00859; gnomAD 0.00977 and 0.01067; TOPMed 0.01134; ESP Exome Variant Server 0.01301.
gnomAD v4.1: 2,810 of 1,613,294 alleles (0.17%); highest among the groups gnomAD compares: African/African-American, 3.4%; 48 homozygotes.

Submissions (7):

Labcorp Genetics (formerly Invitae), Labcorp
Classification: Benign. Last evaluated: 2026-01-31. Review status: criteria provided, single submitter. Criteria: Invitae Variant Classification Sherloc (09022015). Collection method: clinical testing. Allele origin: germline.

Blueprint Genetics
Classification: Likely benign. Last evaluated: 2024-11-06. Review status: criteria provided, single submitter. Criteria: ACMG Guidelines, 2015. Collection method: clinical testing. Allele origin: germline.

ARUP Laboratories, Molecular Genetics and Genomics, ARUP Laboratories
Classification: Benign. Last evaluated: 2024-10-14. Review status: criteria provided, single submitter. Criteria: ARUP Molecular Germline Variant Investigation Process 2024. Collection method: clinical testing. Allele origin: germline.

GeneDx
Classification: Likely benign. Last evaluated: 2018-11-16. Review status: criteria provided, single submitter. Criteria: GeneDx Variant Classification Process June 2021. Collection method: clinical testing. Allele origin: germline. Affected: yes.

Athena Diagnostics
Classification: Benign. Last evaluated: 2018-07-05. Review status: criteria provided, single submitter. Criteria: Athena Diagnostics Criteria. Collection method: clinical testing. Allele origin: germline.

Clinical Genomics, Uppaluri K&H Personalized Medicine Clinic
Classification: Uncertain significance for Maturity-onset diabetes of the young. Review status: criteria provided, single submitter. Criteria: K & H Uppaluri Personalized Medicine Clinic Variant Classification & Assertion Criteria_Updated V.1. Collection method: research. Allele origin: somatic. Inheritance: Somatic mutation.
Comment: Mutations in ABCC8 gene are associated with both neonatal diabetes mellitus as well as MODY. Patients with this mutation may have a better response to sulfonylureas. However, no sufficient evidence is found to ascertain the role of this particular variant (rs75967811) in MODY yet.

Clinical Genomics, Uppaluri K&H Personalized Medicine Clinic
Classification: Uncertain significance for Transitory neonatal diabetes mellitus. Review status: criteria provided, single submitter. Criteria: K & H Uppaluri Personalized Medicine Clinic Variant Classification & Assertion Criteria_Updated V.1. Collection method: research. Allele origin: somatic. Inheritance: Somatic mutation.
Comment: Mutations in ABCC8 gene are associated with both neonatal diabetes mellitus as well as MODY. Patients with this mutation may have a better response to sulfonylureas. However, no sufficient evidence is found to ascertain the role of this particular variant (rs75967811 ) in neonatal diabetes yet.

Literature cited by the submitters: PubMed 18767144 (cited by Athena Diagnostics); PubMed 16885549 (cited by Clinical Genomics, Uppaluri K&H Personalized Medicine Clinic); PubMed 21989597 (cited by Clinical Genomics, Uppaluri K&H Personalized Medicine Clinic); PubMed 27538677 (cited by Clinical Genomics, Uppaluri K&H Personalized Medicine Clinic); PubMed 18981553 (cited by Clinical Genomics, Uppaluri K&H Personalized Medicine Clinic); PubMed 32027066 (cited by Clinical Genomics, Uppaluri K&H Personalized Medicine Clinic); PubMed 16613899 (cited by Clinical Genomics, Uppaluri K&H Personalized Medicine Clinic); PubMed 18025408 (cited by Clinical Genomics, Uppaluri K&H Personalized Medicine Clinic); PubMed 32792356 (cited by Clinical Genomics, Uppaluri K&H Personalized Medicine Clinic).

NM_000352.6(ABCC8):c.4119+18A>G

Gene: ABCC8 (ATP binding cassette subfamily C member 8; minus strand). Cytogenetic location: 11p15.1.
Variant type: single nucleotide variant.
Coding change: c.4119+18A>G on transcript NM_000352.6 (MANE Select); 18 bases into the intron after coding-DNA position 4119, A replaced by G.
Molecular consequence: intron variant.
Genome position (GRCh38, 1-based): chr11:17,396,898, T>C on the plus strand (A>G on the coding strand, the complement: ABCC8 is on the minus strand). VCF-style: chr11-17396898-T-C. GRCh37 (hg19) VCF-style: chr11-17418445-T-C.
Other names: c.4116+18A>G (NM_001351297.2); c.4119+18A>G (NM_001351296.2); c.4185+18A>G (NM_001351295.2); c.4122+18A>G (NM_001287174.3).
Identifiers: ClinVar variation 585345 (VCV000585345.22), dbSNP rs75967811, ClinGen allele CA5902576.